The following is an entry in ClinVar:

ClinVar aggregate classification (germline): Uncertain significance (1 of 4 stars; one submission).

gnomAD v4.1: 2 of 1,614,090 alleles (0.00012%); highest among the groups gnomAD compares: Non-Finnish European, 0.00017%; no homozygotes.

Submission:

Ambry Genetics
Classification: Uncertain significance. Last evaluated: 2022-05-21. Review status: criteria provided, single submitter. Criteria: Ambry Variant Classification Scheme 2023. Collection method: clinical testing. Allele origin: germline.
Comment: The p.R1694P variant (also known as c.5081G>C), located in coding exon 4 of the ALPK2 gene, results from a G to C substitution at nucleotide position 5081. The arginine at codon 1694 is replaced by proline, an amino acid with dissimilar properties. This amino acid position is conserved. In addition, this alteration is predicted to be tolerated by in silico analysis. Since supporting evidence is limited at this time, the clinical significance of this alteration remains unclear.

NM_052947.4(ALPK2):c.5081G>C (p.Arg1694Pro)

Genes: ALPK2 (alpha kinase 2; minus strand), LOC130062577 (ATAC-STARR-seq lymphoblastoid active region 13389; plus strand). Cytogenetic location: 18q21.31.
Variant type: single nucleotide variant.
Coding change: c.5081G>C on transcript NM_052947.4 (MANE Select); coding-DNA position 5081, G replaced by C.
Protein change: p.Arg1694Pro; replaces arginine 1694 with proline.
Molecular consequence: missense variant.
Genome position (GRCh38, 1-based): chr18:58,535,106, C>G on the plus strand (G>C on the coding strand, the complement: ALPK2 is on the minus strand). VCF-style: chr18-58535106-C-G. GRCh37 (hg19) VCF-style: chr18-56202338-C-G.
Other names: short protein forms R1694P.
Identifiers: ClinVar variation 1745227 (VCV001745227.2), dbSNP rs145798849, ClinGen allele CA402558298.
Genomic context (GRCh38, chr18:58,535,106, plus strand): 5'-TTCCTCTTGACCTCCTCTGACCCCGTCACTGCTGTGAGGGTCCCTGGCGATTTGCCTGCT[C>G]GGGCTTCCAGGGACTTCTCTCTCTCCCTGGACTTTTTCGCACAGCCCAGGGTGCCCTTTT-3'
Protein context (NP_443179.3, residues 1684-1704): SREREKSLEA[Arg1694Pro]AGKSPGTLTA